The following is an entry in ClinVar:

NM_004415.4(DSP):c.2149del (p.Gln717fs)

Gene: DSP (desmoplakin; plus strand). Cytogenetic location: 6p24.3.
Variant type: Deletion.
Coding change: c.2149del on transcript NM_004415.4 (MANE Select); coding-DNA position 2149, one base deleted (C; older notation c.2149delC).
Protein change: p.Gln717fs; shifts the reading frame from glutamine 717.
Molecular consequence: frameshift variant.
Genome position (GRCh38, 1-based): chr6:7,574,104, C deleted. VCF-style (leftmost placement, unchanged base first): chr6-7574103-AC-A. GRCh37 (hg19) VCF-style: chr6-7574336-AC-A.
Other names: c.2149del, p.Gln717fs (NM_001008844.3, NM_001319034.2); short protein forms Q717fs.
Identifiers: ClinVar variation 1356582 (VCV001356582.6), dbSNP rs2113682999, ClinGen allele CA2573140859.

ClinVar aggregate classification (germline): Pathogenic (1 of 4 stars; one submission).

Conditions:
Arrhythmogenic cardiomyopathy with wooly hair and keratoderma. Also called: Dilated cardiomyopathy with woolly hair and keratoderma; Arrhythmogenic cardiomyopathy with woolly hair and keratoderma; PALMOPLANTAR KERATODERMA WITH LEFT VENTRICULAR CARDIOMYOPATHY AND WOOLLY HAIR; Carvajal syndrome. Identifiers: Orphanet 65282, MedGen C1854063, MONDO:0011581, OMIM 605676.
Arrhythmogenic right ventricular dysplasia 8 (ARVD8). Also called: Arrhythmogenic Right Ventricular Dysplasia/Cardiomyopathy 8; ARRHYTHMOGENIC RIGHT VENTRICULAR DYSPLASIA, FAMILIAL, 8; ARRHYTHMOGENIC RIGHT VENTRICULAR CARDIOMYOPATHY 8. Identifiers: MedGen C1843896, MONDO:0011831, OMIM 607450.

Submission:

Labcorp Genetics (formerly Invitae), Labcorp
Classification: Pathogenic for Arrhythmogenic cardiomyopathy with wooly hair and keratoderma; Arrhythmogenic right ventricular dysplasia 8. Last evaluated: 2022-03-25. Review status: criteria provided, single submitter. Criteria: Invitae Variant Classification Sherloc (09022015). Collection method: clinical testing. Allele origin: germline.
Comment: For these reasons, this variant has been classified as Pathogenic. This variant has not been reported in the literature in individuals affected with DSP-related conditions. This variant is not present in population databases (gnomAD no frequency). This sequence change creates a premature translational stop signal (p.Gln717Lysfs*48) in the DSP gene. It is expected to result in an absent or disrupted protein product. Loss-of-function variants in DSP are known to be pathogenic (PMID: 20716751, 24503780, 25227139).

Literature cited by the submitters: PubMed 20716751; PubMed 24503780; PubMed 25227139.